The following is an entry in ClinVar:

NM_005032.7(PLS3):c.1067del (p.Ala356fs)

Gene: PLS3 (plastin 3; plus strand). Cytogenetic location: Xq23.
Variant type: Deletion.
Coding change: c.1067del on transcript NM_005032.7 (MANE Select); coding-DNA position 1067, one base deleted (C; older notation c.1067delC).
Protein change: p.Ala356fs; shifts the reading frame from alanine 356.
Molecular consequence: frameshift variant.
Genome position (GRCh38, 1-based): chrX:115,643,392, C deleted. VCF-style (leftmost placement, unchanged base first): chrX-115643391-GC-G. GRCh37 (hg19) VCF-style: chrX-114877703-GC-G.
Other names: c.1067del, p.Ala356fs (NM_001136025.5); c.986del, p.Ala329fs (NM_001172335.3); c.1028del, p.Ala343fs (NM_001282337.2); c.932del, p.Ala311fs (NM_001282338.2); short protein forms A311fs, A343fs, A356fs, A329fs.
Identifiers: ClinVar variation 1407720 (VCV001407720.6), dbSNP rs2147577444, ClinGen allele CA2573159152.

ClinVar aggregate classification (germline): Pathogenic (1 of 4 stars; one submission).

Submission:

Labcorp Genetics (formerly Invitae), Labcorp
Classification: Pathogenic. Last evaluated: 2024-12-23. Review status: criteria provided, single submitter. Criteria: Invitae Variant Classification Sherloc (09022015). Collection method: clinical testing. Allele origin: germline.
Comment: This sequence change creates a premature translational stop signal (p.Ala356Valfs*12) in the PLS3 gene. It is expected to result in an absent or disrupted protein product. Loss-of-function variants in PLS3 are known to be pathogenic (PMID: 24088043, 30405713, 33166085). This variant is not present in population databases (gnomAD no frequency). This variant has not been reported in the literature in individuals affected with PLS3-related conditions. ClinVar contains an entry for this variant (Variation ID: 1407720). For these reasons, this variant has been classified as Pathogenic.

Literature cited by the submitters: PubMed 24088043; PubMed 30405713; PubMed 33166085.